The following is an entry in ClinVar:

ClinVar aggregate classification (germline): Pathogenic. Review status: criteria provided, multiple submitters, no conflicts (2 of 4 stars). 3 submissions from 3 submitters: Pathogenic (3). Last evaluated 2025-01-03.

Conditions:
Alstrom syndrome (ALMS). Identifiers: Orphanet 64, MedGen C0268425, MONDO:0008763, OMIM 203800.
Cardiovascular phenotype. Identifiers: MedGen CN230736.
ALMS1-related disorder. Also called: ALMS1-related condition.

Submissions (3):

Ambry Genetics
Classification: Pathogenic for Cardiovascular phenotype. Last evaluated: 2025-01-03. Review status: criteria provided, single submitter. Criteria: Ambry Variant Classification Scheme 2023. Collection method: clinical testing. Allele origin: germline.
Comment: The c.12154dupC pathogenic mutation, located in coding exon 20 of the ALMS1 gene, results from a duplication of C at nucleotide position 12154, causing a translational frameshift with a predicted alternate stop codon (p.R4052Pfs*33). This variant has been identified in the homozygous state and/or in conjunction with other ALMS1 variant(s) in individual(s) with features consistent with Alstr&ouml;m syndrome; in at least one instance, the variants were identified in trans (Casey J et al. Eur J Med Genet, 2014 Feb;57:55-9). This variant is considered to be rare based on population cohorts in the Genome Aggregation Database (gnomAD). In addition to the clinical data presented in the literature, this alteration is expected to result in loss of function by premature protein truncation or nonsense-mediated mRNA decay. As such, this alteration is interpreted as a disease-causing mutation.

Blueprint Genetics
Classification: Pathogenic for ALMS1-related disorders. Last evaluated: 2024-03-18. Review status: criteria provided, single submitter. Criteria: ACMG Guidelines, 2015. Collection method: clinical testing. Allele origin: germline. Affected: yes. Observed: 3 variant alleles.

Labcorp Genetics (formerly Invitae), Labcorp
Classification: Pathogenic for Alstrom syndrome. Last evaluated: 2023-10-15. Review status: criteria provided, single submitter. Criteria: Invitae Variant Classification Sherloc (09022015). Collection method: clinical testing. Allele origin: germline.
Comment: This sequence change creates a premature translational stop signal (p.Arg4052Profs*33) in the ALMS1 gene. It is expected to result in an absent or disrupted protein product. Loss-of-function variants in ALMS1 are known to be pathogenic (PMID: 17594715). This variant is not present in population databases (gnomAD no frequency). This variant has not been reported in the literature in individuals affected with ALMS1-related conditions. For these reasons, this variant has been classified as Pathogenic.

Literature cited by the submitters: PubMed 24503146 (cited by Ambry Genetics); PubMed 17594715 (cited by Labcorp Genetics (formerly Invitae), Labcorp).

NM_001378454.1(ALMS1):c.12151dup (p.Arg4051fs)

Genes: ALMS1 (ALMS1 centrosome and basal body associated protein; plus strand), LOC126806252 (BRD4-independent group 4 enhancer GRCh37_chr2:73828496-73829695; plus strand). Cytogenetic location: 2p13.1.
Variant type: Duplication.
Coding change: c.12151dup on transcript NM_001378454.1 (MANE Select); coding-DNA position 12151, one base duplicated (C; older notation c.12151dupC).
Protein change: p.Arg4051fs; shifts the reading frame from arginine 4051.
Molecular consequence: frameshift variant.
Genome position (GRCh38, 1-based): chr2:73,602,221, C duplicated; the last of 3 consecutive C bases (chr2:73,602,219-73,602,221); duplicating any one gives the same sequence. VCF-style (leftmost placement, unchanged base first): chr2-73602218-T-TC. GRCh37 (hg19) VCF-style: chr2-73829345-T-TC.
Other names: c.12154dup, p.Arg4052fs (NM_015120.4); c.12154dupC (NM_015120.4); short protein forms R4052fs, R4051fs.
Identifiers: ClinVar variation 2734233 (VCV002734233.6), dbSNP rs1558712349, ClinGen allele CA916566732.